The following is an entry in ClinVar:

NM_003239.5(TGFB3):c.275C>T (p.Thr92Ile)

Gene: TGFB3 (transforming growth factor beta 3; minus strand). Cytogenetic location: 14q24.3.
Variant type: single nucleotide variant.
Coding change: c.275C>T on transcript NM_003239.5 (MANE Select); coding-DNA position 275, C replaced by T.
Protein change: p.Thr92Ile; replaces threonine 92 with isoleucine.
Molecular consequence: missense variant.
Genome position (GRCh38, 1-based): chr14:75,980,619, G>A on the plus strand (C>T on the coding strand, the complement: TGFB3 is on the minus strand). VCF-style: chr14-75980619-G-A. GRCh37 (hg19) VCF-style: chr14-76446962-G-A.
Other names: c.275C>T, p.Thr92Ile (NM_001329938.2, NM_001329939.2); short protein forms T92I.
Identifiers: ClinVar variation 1321753 (VCV001321753.4), dbSNP rs2140254225, ClinGen allele CA390471120.

ClinVar aggregate classification (germline): Uncertain significance. Review status: criteria provided, multiple submitters, no conflicts (2 of 4 stars). 2 submissions from 2 submitters: Uncertain significance (2). Last evaluated 2024-05-18.

Conditions:
Rienhoff syndrome. Also called: LOEYS-DIETZ SYNDROME 5. Identifiers: MedGen C3810012, MONDO:0014262, OMIM 615582.

Allele frequency attached by ClinVar (database versions not stated): gnomAD exomes below 0.00001.
gnomAD v4.1: 2 of 1,614,180 alleles (0.00012%); highest among the groups gnomAD compares: South Asian, 0.0011%; no homozygotes.

Submissions (2):

Labcorp Genetics (formerly Invitae), Labcorp
Classification: Uncertain significance for Rienhoff syndrome. Last evaluated: 2024-05-18. Review status: criteria provided, single submitter. Criteria: Invitae Variant Classification Sherloc (09022015). Collection method: clinical testing. Allele origin: germline.
Comment: This sequence change replaces threonine, which is neutral and polar, with isoleucine, which is neutral and non-polar, at codon 92 of the TGFB3 protein (p.Thr92Ile). This variant is not present in population databases (gnomAD no frequency). This variant has not been reported in the literature in individuals affected with TGFB3-related conditions. ClinVar contains an entry for this variant (Variation ID: 1321753). An algorithm developed to predict the effect of missense changes on protein structure and function (PolyPhen-2) suggests that this variant is likely to be tolerated. In summary, the available evidence is currently insufficient to determine the role of this variant in disease. Therefore, it has been classified as a Variant of Uncertain Significance.

GeneDx
Classification: Uncertain significance. Last evaluated: 2021-11-05. Review status: criteria provided, single submitter. Criteria: GeneDx Variant Classification Process June 2021. Collection method: clinical testing. Allele origin: germline. Affected: yes.
Comment: Not observed at significant frequency in large population cohorts (Lek et al., 2016); In silico analysis supports that this missense variant does not alter protein structure/function; Has not been previously published as pathogenic or benign to our knowledge